The following is an entry in ClinVar:

NM_004990.4(MARS1):c.2149C>A (p.Gln717Lys)

Gene: MARS1 (methionyl-tRNA synthetase 1; plus strand). Cytogenetic location: 12q13.3.
Variant type: single nucleotide variant.
Coding change: c.2149C>A on transcript NM_004990.4 (MANE Select); coding-DNA position 2149, C replaced by A.
Protein change: p.Gln717Lys; replaces glutamine 717 with lysine.
Molecular consequence: missense variant.
Genome position (GRCh38, 1-based): chr12:57,515,003, C>A. VCF-style: chr12-57515003-C-A. GRCh37 (hg19) VCF-style: chr12-57908786-C-A.
Other names: c.2149C>A (NM_004990.3); short protein forms Q717K.
Identifiers: ClinVar variation 2933336 (VCV002933336.4), dbSNP rs1422372608, ClinGen allele CA385465378.

ClinVar aggregate classification (germline): Uncertain significance. Review status: criteria provided, multiple submitters, no conflicts (2 of 4 stars). 2 submissions from 2 submitters: Uncertain significance (2). Last evaluated 2025-08-30.

Conditions:
Charcot-Marie-Tooth disease axonal type 2U. Also called: CHARCOT-MARIE-TOOTH NEUROPATHY, TYPE 2U; CHARCOT-MARIE-TOOTH DISEASE, AXONAL, AUTOSOMAL DOMINANT, TYPE 2U. Identifiers: Orphanet 397735, MedGen C4084821, MONDO:0014566, OMIM 616280.
Severe early-onset pulmonary alveolar proteinosis due to MARS deficiency. Also called: PULMONARY ALVEOLAR PROTEINOSIS, REUNION ISLAND; Interstitial lung and liver disease. Identifiers: Orphanet 440427, MedGen C4225400, MONDO:0014206, OMIM 615486.

Allele frequency attached by ClinVar (database versions not stated): TOPMed below 0.00001; gnomAD 0.00001.
gnomAD v4.1: 2 of 1,613,994 alleles (0.00012%); highest among the groups gnomAD compares: Non-Finnish European, 0.00017%; no homozygotes.

Submissions (2):

Ambry Genetics
Classification: Uncertain significance. Last evaluated: 2025-08-30. Review status: criteria provided, single submitter. Criteria: Ambry Variant Classification Scheme 2023. Collection method: clinical testing. Allele origin: germline.

Labcorp Genetics (formerly Invitae), Labcorp
Classification: Uncertain significance for Charcot-Marie-Tooth disease axonal type 2U; Severe early-onset pulmonary alveolar proteinosis due to MARS deficiency. Last evaluated: 2023-11-14. Review status: criteria provided, single submitter. Criteria: Invitae Variant Classification Sherloc (09022015). Collection method: clinical testing. Allele origin: germline.
Comment: This sequence change replaces glutamine, which is neutral and polar, with lysine, which is basic and polar, at codon 717 of the MARS protein (p.Gln717Lys). This variant is present in population databases (no rsID available, gnomAD 0.007%). This variant has not been reported in the literature in individuals affected with MARS-related conditions. An algorithm developed to predict the effect of missense changes on protein structure and function (PolyPhen-2) suggests that this variant is likely to be tolerated. In summary, the available evidence is currently insufficient to determine the role of this variant in disease. Therefore, it has been classified as a Variant of Uncertain Significance.